The following is an entry in ClinVar:

ClinVar aggregate classification (germline): Pathogenic (1 of 4 stars; one submission).

Conditions:
Joubert syndrome and related disorders. Identifiers: Orphanet 140874, MedGen C5679612, MONDO:0015369.

Submission:

Myriad Genetics, Inc.
Classification: Pathogenic for Joubert syndrome and related disorders. Last evaluated: 2024-05-11. Review status: criteria provided, single submitter. Criteria: Myriad Autosomal Dominant, Autosomal Recessive and X-Linked Classification Criteria (2023). Collection method: clinical testing. Allele origin: unknown.
Comment: NM_001080522.2(CC2D2A):c.4028delC(S1343Yfs*44) is expected to be pathogenic in the context of CC2D2A-related disorders. This variant is predicted to lead to an abnormal or absent protein product due to the creation of a premature termination codon in CC2D2A, a gene where loss-of-function variants are known to be pathogenic. Please note: this variant was assessed in the context of healthy population screening.

NM_001378615.1(CC2D2A):c.4028del (p.Ser1343fs)

Genes: CC2D2A (coiled-coil and C2 domain containing 2A; plus strand), FBXL5 (F-box and leucine rich repeat protein 5; minus strand). Cytogenetic location: 4p15.32.
Variant type: Deletion.
Coding change: c.4028del on transcript NM_001378615.1 (MANE Select); coding-DNA position 4028, one base deleted (C; older notation c.4028delC).
Protein change: p.Ser1343fs; shifts the reading frame from serine 1343.
Molecular consequence: frameshift variant.
Genome position (GRCh38, 1-based): chr4:15,586,209, C deleted. VCF-style (leftmost placement, unchanged base first): chr4-15586208-TC-T. GRCh37 (hg19) VCF-style: chr4-15587831-TC-T.
Other names: c.4028del, p.Ser1343fs (NM_001080522.2); c.3881del, p.Ser1294fs (NM_001378617.1); short protein forms S1294fs, S1343fs.
Identifiers: ClinVar variation 5013042 (VCV005013042.1).